The following is an entry in ClinVar:

ClinVar aggregate classification (germline): Uncertain significance. Review status: criteria provided, multiple submitters, no conflicts (2 of 4 stars). 7 submissions from 7 submitters: Uncertain significance (7). Last evaluated 2025-12-09.

Conditions:
Hereditary spastic paraplegia 30. Identifiers: Orphanet 101010, MedGen C5235139, MONDO:0012476.
Neuropathy, hereditary sensory, type 2C. Also called: Hereditary sensory and autonomic neuropathy type IIC; KIF1A-Related HSAN2 (HSAN2C). Identifiers: Orphanet 970, MedGen C3280168, MONDO:0013634, OMIM 614213.
Intellectual disability, autosomal dominant 9 (NESCAVS). Also called: NESCAV SYNDROME; KIF1A-Related Neurodevelopmental Disorder. Identifiers: Orphanet 662367, MedGen C5393830, MONDO:0013656, OMIM 614255.
Neuropathy, hereditary sensory and autonomic, type 2A (HSAN2A). Also called: MORVAN DISEASE; NEUROPATHY, CONGENITAL SENSORY; NEUROPATHY, HEREDITARY SENSORY RADICULAR, AUTOSOMAL RECESSIVE; NEUROPATHY, HEREDITARY SENSORY, TYPE IIA; NEUROPATHY, PROGRESSIVE SENSORY, OF CHILDREN; WNK1-Related HSAN2 (HSAN2A). Identifiers: Orphanet 970, MedGen C2752089, MONDO:0024309, OMIM 201300.
Inborn genetic diseases. Identifiers: MedGen C0950123, MeSH D030342.

Allele frequency attached by ClinVar (database versions not stated): gnomAD exomes 0.00003 and 0.00013; TOPMed 0.00003; ExAC 0.00004; ESP Exome Variant Server 0.00008.
gnomAD v4.1: 186 of 1,613,804 alleles (0.012%); highest among the groups gnomAD compares: Middle Eastern, 0.016%; no homozygotes.

Submissions (7):

Labcorp Genetics (formerly Invitae), Labcorp
Classification: Uncertain significance for Hereditary spastic paraplegia 30; Neuropathy, hereditary sensory, type 2C; Intellectual disability, autosomal dominant 9. Last evaluated: 2025-12-09. Review status: criteria provided, single submitter. Criteria: Invitae Variant Classification Sherloc (09022015). Collection method: clinical testing. Allele origin: germline.
Comment: This sequence change replaces arginine, which is basic and polar, with histidine, which is basic and polar, at codon 355 of the KIF1A protein (p.Arg355His). This variant is present in population databases (rs373042822, gnomAD 0.01%). This variant has not been reported in the literature in individuals affected with KIF1A-related conditions. ClinVar contains an entry for this variant (Variation ID: 532875). Invitae Evidence Modeling of protein sequence and biophysical properties (such as structural, functional, and spatial information, amino acid conservation, physicochemical variation, residue mobility, and thermodynamic stability) indicates that this missense variant is expected to disrupt KIF1A protein function with a positive predictive value of 95%. In summary, the available evidence is currently insufficient to determine the role of this variant in disease. Therefore, it has been classified as a Variant of Uncertain Significance.

Blueprint Genetics
Classification: Uncertain significance. Last evaluated: 2024-05-03. Review status: criteria provided, single submitter. Criteria: ACMG Guidelines, 2015. Collection method: clinical testing. Allele origin: germline.

GeneDx
Classification: Uncertain significance. Last evaluated: 2023-11-02. Review status: criteria provided, single submitter. Criteria: GeneDx Variant Classification Process June 2021. Collection method: clinical testing. Allele origin: germline. Affected: yes.
Comment: In silico analysis supports that this missense variant has a deleterious effect on protein structure/function; Has not been previously published as pathogenic or benign to our knowledge

Department of Pathology and Laboratory Medicine, Sinai Health System
Classification: Uncertain significance for Neuropathy, hereditary sensory and autonomic, type 2A; Spastic paraplegia 30A, autosomal dominant; Neuropathy, hereditary sensory, type 2C; Intellectual disability, autosomal dominant 9. Last evaluated: 2023-08-28. Review status: criteria provided, single submitter. Criteria: ACMG Guidelines, 2015. Collection method: research. Allele origin: germline.

Ambry Genetics
Classification: Uncertain significance for Inborn genetic diseases. Last evaluated: 2021-11-05. Review status: criteria provided, single submitter. Criteria: Ambry Variant Classification Scheme 2023. Collection method: clinical testing. Allele origin: germline.

CeGaT Center for Human Genetics Tuebingen
Classification: Uncertain significance. Last evaluated: 2020-09-01. Review status: criteria provided, single submitter. Criteria: CeGaT Center For Human Genetics Tuebingen Variant Classification Criteria Version 2. Collection method: clinical testing. Allele origin: germline. Affected: yes. Observed: 1 variant allele.

Fulgent Genetics
Classification: Uncertain significance for Neuropathy, hereditary sensory and autonomic, type 2A; Spastic paraplegia 30A, autosomal dominant; Neuropathy, hereditary sensory, type 2C; Intellectual disability, autosomal dominant 9. Last evaluated: 2018-10-31. Review status: criteria provided, single submitter. Criteria: ACMG Guidelines, 2015. Collection method: clinical testing. Allele origin: unknown.

NM_001244008.2(KIF1A):c.1064G>A (p.Arg355His)

Gene: KIF1A (kinesin family member 1A; minus strand). Cytogenetic location: 2q37.3.
Variant type: single nucleotide variant.
Coding change: c.1064G>A on transcript NM_001244008.2 (MANE Select); coding-DNA position 1064, G replaced by A.
Protein change: p.Arg355His; replaces arginine 355 with histidine.
Molecular consequence: missense variant.
Genome position (GRCh38, 1-based): chr2:240,773,230, C>T on the plus strand (G>A on the coding strand, the complement: KIF1A is on the minus strand). VCF-style: chr2-240773230-C-T. GRCh37 (hg19) VCF-style: chr2-241712647-C-T.
Other names: c.1064G>A (NM_004321.5); c.1064G>A, p.Arg355His (NM_001320705.2, NM_001330289.2, NM_001330290.2 and 20 more transcripts); short protein forms R355H.
Identifiers: ClinVar variation 532875 (VCV000532875.55), dbSNP rs373042822, ClinGen allele CA2208546.